The following is an entry in ClinVar:

ClinVar aggregate classification (germline): Likely pathogenic. Review status: criteria provided, multiple submitters, no conflicts (2 of 4 stars). 3 submissions from 3 submitters: Likely pathogenic (3). Last evaluated 2025-08-11.

Conditions:
Hereditary cancer-predisposing syndrome. Also called: Tumor predisposition; Neoplastic Syndromes, Hereditary; Hereditary Cancer Syndrome; Hereditary neoplastic syndrome. Identifiers: Orphanet 140162, MedGen C0027672, MeSH D009386, MONDO:0015356.
Ataxia-telangiectasia syndrome (AT). Also called: ATAXIA-TELANGIECTASIA, COMPLEMENTATION GROUP A; ATAXIA-TELANGIECTASIA, FRESNO VARIANT; LOUIS-BAR SYNDROME; Ataxia telangiectasia (A-T); Cerebello-oculocutaneous telangiectasia; Immunodeficiency with ataxia telangiectasia. Identifiers: Orphanet 100, MedGen C0004135, MONDO:0008840, OMIM 208900.
Familial cancer of breast. Also called: BREAST CANCER, FAMILIAL; Hereditary breast cancer; hereditary breast carcinoma. Identifiers: Orphanet 227535, MedGen C0346153, MONDO:0016419, OMIM 114480. Disease mechanism: loss of function.

Submissions (3):

Labcorp Genetics (formerly Invitae), Labcorp
Classification: Likely pathogenic for Ataxia-telangiectasia syndrome. Last evaluated: 2025-08-11. Review status: criteria provided, single submitter. Criteria: Invitae Variant Classification Sherloc (09022015). Collection method: clinical testing. Allele origin: germline.
Comment: This sequence change affects a donor splice site in intron 23 of the ATM gene. It is expected to disrupt RNA splicing. Variants that disrupt the donor or acceptor splice site typically lead to a loss of protein function (PMID: 16199547), and loss-of-function variants in ATM are known to be pathogenic (PMID: 23807571, 25614872). This variant is not present in population databases (gnomAD no frequency). Disruption of this splice site has been observed in individual(s) with ataxia-telangiectasia (PMID: 21665257). ClinVar contains an entry for this variant (Variation ID: 628921). Algorithms developed to predict the effect of sequence changes on RNA splicing suggest that this variant may disrupt the consensus splice site. In summary, the currently available evidence indicates that the variant is pathogenic, but additional data are needed to prove that conclusively. Therefore, this variant has been classified as Likely Pathogenic.

Myriad Genetics, Inc.
Classification: Likely pathogenic for Familial cancer of breast. Last evaluated: 2025-07-02. Review status: criteria provided, single submitter. Criteria: Myriad Autosomal Dominant, Autosomal Recessive and X-Linked Classification Criteria (2023). Collection method: clinical testing. Allele origin: unknown.
Comment: This variant is considered likely pathogenic. This variant occurs within a consensus splice junction and is predicted to result in abnormal mRNA splicing of either an out-of-frame exon or an in-frame exon necessary for protein stability and/or normal function.

Color Diagnostics, LLC DBA Color Health
Classification: Likely pathogenic for Hereditary cancer-predisposing syndrome. Last evaluated: 2020-02-05. Review status: criteria provided, single submitter. Criteria: ACMG Guidelines, 2015. Collection method: clinical testing. Allele origin: germline.
Comment: This variant causes a G>C nucleotide substitution at the +1 position of intron 23 of the ATM gene. Splice site prediction tools suggest that this variant may have a significant impact on RNA splicing. Although this prediction has not been confirmed in published RNA studies, this variant is expected to result in an absent or disrupted protein product. This variant has not been reported in individuals affected with hereditary cancer in the literature. This variant has not been identified in the general population by the Genome Aggregation Database (gnomAD). Loss of ATM function is a known mechanism of disease. Based on the available evidence, this variant is classified as Likely Pathogenic.

Literature cited by the submitters: PubMed 16199547 (cited by Labcorp Genetics (formerly Invitae), Labcorp); PubMed 23807571 (cited by Labcorp Genetics (formerly Invitae), Labcorp); PubMed 25614872 (cited by Labcorp Genetics (formerly Invitae), Labcorp); PubMed 21665257 (cited by Labcorp Genetics (formerly Invitae), Labcorp).

NM_000051.4(ATM):c.3402+1G>C

Gene: ATM (ATM serine/threonine kinase; plus strand). Cytogenetic location: 11q22.3.
Variant type: single nucleotide variant.
Coding change: c.3402+1G>C on transcript NM_000051.4 (MANE Select); the canonical splice donor site of the intron after coding-DNA position 3402, G replaced by C.
Molecular consequence: splice donor variant.
Genome position (GRCh38, 1-based): chr11:108,279,609, G>C. VCF-style: chr11-108279609-G-C. GRCh37 (hg19) VCF-style: chr11-108150336-G-C.
Other names: c.3402+1G>C (NM_001351834.2).
Identifiers: ClinVar variation 628921 (VCV000628921.6), dbSNP rs1565439606, ClinGen allele CA382517890.